The following is an entry in ClinVar:

ClinVar aggregate classification (germline): Uncertain significance. Review status: criteria provided, multiple submitters, no conflicts (2 of 4 stars). 2 submissions from 2 submitters: Uncertain significance (2). Last evaluated 2023-03-02.

Allele frequency attached by ClinVar (database versions not stated): ExAC 0.00001; TOPMed 0.00001.
gnomAD v4.1: 10 of 1,614,196 alleles (0.00062%); highest among the groups gnomAD compares: Admixed American, 0.005%; no homozygotes.

Submissions (2):

Ambry Genetics
Classification: Uncertain significance. Last evaluated: 2023-03-02. Review status: criteria provided, single submitter. Criteria: Ambry Variant Classification Scheme 2023. Collection method: clinical testing. Allele origin: germline.

Labcorp Genetics (formerly Invitae), Labcorp
Classification: Uncertain significance. Last evaluated: 2022-06-05. Review status: criteria provided, single submitter. Criteria: Invitae Variant Classification Sherloc (09022015). Collection method: clinical testing. Allele origin: germline.
Comment: This sequence change replaces glycine, which is neutral and non-polar, with aspartic acid, which is acidic and polar, at codon 760 of the KANK1 protein (p.Gly760Asp). This variant is present in population databases (rs764534086, gnomAD 0.0009%). This variant has not been reported in the literature in individuals affected with KANK1-related conditions. Algorithms developed to predict the effect of missense changes on protein structure and function are either unavailable or do not agree on the potential impact of this missense change (SIFT: "Deleterious"; PolyPhen-2: "Probably Damaging"; Align-GVGD: "Class C0"). In summary, the available evidence is currently insufficient to determine the role of this variant in disease. Therefore, it has been classified as a Variant of Uncertain Significance.

NM_015158.5(KANK1):c.2279G>A (p.Gly760Asp)

Gene: KANK1 (KN motif and ankyrin repeat domains 1; plus strand). Cytogenetic location: 9p24.3.
Variant type: single nucleotide variant.
Coding change: c.2279G>A on transcript NM_015158.5 (MANE Select); coding-DNA position 2279, G replaced by A.
Protein change: p.Gly760Asp; replaces glycine 760 with aspartic acid.
Molecular consequence: missense variant. On other transcripts: non-coding transcript variant (1).
Genome position (GRCh38, 1-based): chr9:713,045, G>A. VCF-style: chr9-713045-G-A. GRCh37 (hg19) VCF-style: chr9-713045-G-A.
Other names: c.2279G>A, p.Gly760Asp (NM_001256876.3, NM_001256877.3, NM_001354331.2 and 2 more transcripts); c.2279G>A (NM_015158.2); c.1805G>A, p.Gly602Asp (NM_001354333.2, NM_001354335.2, NM_001354336.2 and 9 more transcripts); short protein forms G602D, G760D.
Identifiers: ClinVar variation 1900136 (VCV001900136.7), dbSNP rs764534086, ClinGen allele CA4960475.